The following is an entry in ClinVar:

ClinVar aggregate classification (germline): Conflicting classifications of pathogenicity. Review status: criteria provided, conflicting classifications (1 of 4 stars). 2 submissions from 2 submitters: Likely pathogenic (1); Uncertain significance (1). Last evaluated 2025-06-20.

Conditions:
Hereditary spastic paraplegia 7 (SPG7). Also called: SPG7-related neurologic disorder; Autosomal recessive spastic paraplegia type 7; SPASTIC PARAPLEGIA 7, AUTOSOMAL RECESSIVE, WITH OR WITHOUT CEREBELLAR ATAXIA; Spastic paraplegia 7; Hereditary spastic paraplegia Paraplegin type. Identifiers: Orphanet 99013, MedGen C1846564, MONDO:0011803, OMIM 607259.

Allele frequency attached by ClinVar (database versions not stated): gnomAD exomes 0.00001.
gnomAD v4.1: 10 of 1,613,166 alleles (0.00062%); highest among the groups gnomAD compares: Non-Finnish European, 0.00085%; no homozygotes.

Submissions (2):

Labcorp Genetics (formerly Invitae), Labcorp
Classification: Likely pathogenic for Hereditary spastic paraplegia 7. Last evaluated: 2025-06-20. Review status: criteria provided, single submitter. Criteria: Invitae Variant Classification Sherloc (09022015). Collection method: clinical testing. Allele origin: germline.
Comment: This sequence change replaces phenylalanine, which is neutral and non-polar, with leucine, which is neutral and non-polar, at codon 676 of the SPG7 protein (p.Phe676Leu). This variant is not present in population databases (gnomAD no frequency). This missense change has been observed in individual(s) with hereditary spastic paraplegia (PMID: 14985266). In at least one individual the data is consistent with being in trans (on the opposite chromosome) from a pathogenic variant. ClinVar contains an entry for this variant (Variation ID: 805516). Invitae Evidence Modeling of protein sequence and biophysical properties (such as structural, functional, and spatial information, amino acid conservation, physicochemical variation, residue mobility, and thermodynamic stability) indicates that this missense variant is not expected to disrupt SPG7 protein function with a negative predictive value of 80%. In summary, the currently available evidence indicates that the variant is pathogenic, but additional data are needed to prove that conclusively. Therefore, this variant has been classified as Likely Pathogenic.

Athena Diagnostics
Classification: Uncertain significance. Last evaluated: 2019-01-18. Review status: criteria provided, single submitter. Criteria: Athena Diagnostics Criteria. Collection method: clinical testing. Allele origin: germline.

Literature cited by the submitters: PubMed 14985266 (cited by Labcorp Genetics (formerly Invitae), Labcorp and Athena Diagnostics).

NM_003119.4(SPG7):c.2026T>C (p.Phe676Leu)

Gene: SPG7 (SPG7 matrix AAA peptidase subunit, paraplegin; plus strand). Cytogenetic location: 16q24.3.
Variant type: single nucleotide variant.
Coding change: c.2026T>C on transcript NM_003119.4 (MANE Select); coding-DNA position 2026, T replaced by C.
Protein change: p.Phe676Leu; replaces phenylalanine 676 with leucine.
Molecular consequence: missense variant.
Genome position (GRCh38, 1-based): chr16:89,553,883, T>C. VCF-style: chr16-89553883-T-C. GRCh37 (hg19) VCF-style: chr16-89620291-T-C.
Other names: c.2026T>C, p.Phe676Leu (NM_001363850.1); short protein forms F676L.
Identifiers: ClinVar variation 805516 (VCV000805516.5), dbSNP rs72547553, ClinGen allele CA286567933.